The following is an entry in ClinVar:

ClinVar aggregate classification (germline): Pathogenic. Review status: criteria provided, multiple submitters, no conflicts (2 of 4 stars). 3 submissions from 3 submitters: Pathogenic (3). Last evaluated 2025-06-06.

Conditions:
Inborn genetic diseases. Identifiers: MedGen C0950123, MeSH D030342.
Polycystic kidney disease, adult type (PKD1). Also called: POLYCYSTIC KIDNEY DISEASE 1 WITH OR WITHOUT POLYCYSTIC LIVER DISEASE; POLYCYSTIC KIDNEY DISEASE, ADULT, TYPE I; Polycystic Kidney Disease 1, Autosomal Dominant; Polycystic kidney disease 1; Polycystic kidney disease 1, severe; Polycystic Kidney, Autosomal Dominant. Identifiers: MedGen C3149841, MONDO:0008263, OMIM 173900.

Submissions (3):

Ambry Genetics
Classification: Pathogenic for Inborn genetic diseases. Last evaluated: 2025-06-06. Review status: criteria provided, single submitter. Criteria: Ambry Variant Classification Scheme 2023. Collection method: clinical testing. Allele origin: germline.
Comment: The c.9683dupG (p.L3229Pfs*24) alteration, located in exon 28 (coding exon 28) of the PKD1 gene, consists of a duplication of G at position 9683, causing a translational frameshift with a predicted alternate stop codon after 24 amino acids. This alteration is expected to result in loss of function by premature protein truncation or nonsense-mediated mRNA decay. This variant was not reported in population-based cohorts in the Genome Aggregation Database (gnomAD). This variant was reported in individual(s) with features consistent with polycystic kidney disease (Kim, 2019). Based on the available evidence, this alteration is classified as pathogenic.

Victorian Clinical Genetics Services, Murdoch Childrens Research Institute
Classification: Pathogenic for Polycystic kidney disease, adult type. Last evaluated: 2022-02-02. Review status: criteria provided, single submitter. Criteria: ACMG Guidelines, 2015. Collection method: clinical testing. Allele origin: germline. Inheritance: Autosomal dominant inheritance.
Comment: Based on the classification scheme VCGS_Germline_v1.3.4, this variant is classified as Pathogenic. Following criteria are met: 0102 - Loss of function is a known mechanism of disease in this gene and is associated with polycystic kidney disease 1 (MIM#173900). (I) 0107 - This gene is associated with autosomal dominant disease. Polycystic kidney disease 1 (MIM#173900) is predominantly caused by monoallelic variants, with rare reports of biallelic variants causing disease (OMIM). (I) 0201 - Variant is predicted to cause nonsense-mediated decay (NMD) and loss of protein (premature termination codon is located at least 54 nucleotides upstream of the final exon-exon junction). (SP) 0251 - This variant is heterozygous. (I) 0301 - Variant is absent from gnomAD (both v2 and v3). (SP) 0701 - Other NMD-predicted variants comparable to the one identified in this case have very strong previous evidence for pathogenicity. These variants have been reported many times as pathogenic (DECIPHER). (SP) 0803 - This variant has limited previous evidence of pathogenicity in unrelated individuals. This variant has been reported as pathogenic, and observed in an individual with polycystic kidney disease (ClinVar, PMID: 31740684). (SP) 0905 - No published segregation evidence has been identified for this variant. (I) 1007 - No published functional evidence has been identified for this variant. (I) 1102 - Strong phenotype match for this individual. (SP) 1208 - Inheritance information for this variant is not currently available in this individual. (I) Legend: (SP) - Supporting pathogenic, (I) - Information, (SB) - Supporting benign

Fulgent Genetics
Classification: Pathogenic for Polycystic kidney disease, adult type. Last evaluated: 2021-06-30. Review status: criteria provided, single submitter. Criteria: ACMG Guidelines, 2015. Collection method: clinical testing. Allele origin: unknown.
Comment: This variant has been detected in individual(s) who were sent for testing of Renasight - kidney gene panel.

Literature cited by the submitters: PubMed 31740684 (cited by Ambry Genetics and Victorian Clinical Genetics Services, Murdoch Childrens Research Institute).

NM_001009944.3(PKD1):c.9683dup (p.Leu3229fs)

Gene: PKD1 (polycystin 1, transient receptor potential channel interacting; minus strand). Cytogenetic location: 16p13.3.
Variant type: Duplication.
Coding change: c.9683dup on transcript NM_001009944.3 (MANE Select); coding-DNA position 9683, one base duplicated (G; older notation c.9683dupG).
Protein change: p.Leu3229fs; shifts the reading frame from leucine 3229.
Molecular consequence: frameshift variant.
Genome position (GRCh38, 1-based): chr16:2,100,195, C duplicated on the plus strand (G on the coding strand, the reverse complement: PKD1 is on the minus strand); the first of 5 consecutive C bases (chr16:2,100,195-2,100,199); duplicating any one gives the same sequence. VCF-style (leftmost placement, unchanged base first): chr16-2100194-G-GC. GRCh37 (hg19) VCF-style: chr16-2150195-G-GC.
Other names: c.9683dupG (NM_001009944.2, NM_000296.3); c.9683dup, p.Leu3229fs (NM_000296.4); short protein forms L3229fs.
Identifiers: ClinVar variation 1179072 (VCV001179072.6), dbSNP rs2151740671, ClinGen allele CA1139630494.